The following is an entry in ClinVar:

NM_002890.3(RASA1):c.1776+5A>G

Genes: CCNH (cyclin H; minus strand), RASA1 (RAS p21 protein activator 1; plus strand). Cytogenetic location: 5q14.3.
Variant type: single nucleotide variant.
Coding change: c.1776+5A>G on transcript NM_002890.3 (MANE Select); 5 bases into the intron after coding-DNA position 1776, A replaced by G.
Molecular consequence: intron variant.
Genome position (GRCh38, 1-based): chr5:87,372,200, A>G. VCF-style: chr5-87372200-A-G. GRCh37 (hg19) VCF-style: chr5-86668017-A-G.
Other names: c.1245+5A>G (NM_022650.3); c.933+22844T>C (NM_001364075.2).
Identifiers: ClinVar variation 1360411 (VCV001360411.7), dbSNP rs1294232515, ClinGen allele CA445197596.

ClinVar aggregate classification (germline): Uncertain significance (1 of 4 stars; one submission).

Conditions:
Capillary malformation-arteriovenous malformation syndrome. Also called: Capillary malformation-arteriovenous malformation. Identifiers: Orphanet 137667, MedGen C1842180, MONDO:0012016.

gnomAD v4.1: 1 of 1,612,314 alleles (0.000062%); highest among the groups gnomAD compares: Non-Finnish European, 0.000085%; no homozygotes.

Submission:

Labcorp Genetics (formerly Invitae), Labcorp
Classification: Uncertain significance for Capillary malformation-arteriovenous malformation syndrome. Last evaluated: 2021-06-12. Review status: criteria provided, single submitter. Criteria: Invitae Variant Classification Sherloc (09022015). Collection method: clinical testing. Allele origin: germline.
Comment: This sequence change falls in intron 13 of the RASA1 gene. It does not directly change the encoded amino acid sequence of the RASA1 protein. It affects a nucleotide within the consensus splice site of the intron. This variant is not present in population databases (ExAC no frequency). This variant has not been reported in the literature in individuals with RASA1-related conditions. Nucleotide substitutions within the consensus splice site are a relatively common cause of aberrant splicing (PMID: 17576681, 9536098). Algorithms developed to predict the effect of sequence changes on RNA splicing suggest that this variant may create or strengthen a splice site, but this prediction has not been confirmed by published transcriptional studies. In summary, the available evidence is currently insufficient to determine the role of this variant in disease. Therefore, it has been classified as a Variant of Uncertain Significance.

Literature cited by the submitters: PubMed 17576681; PubMed 9536098.